The following is an entry in ClinVar:

NM_201253.3(CRB1):c.3144del (p.Ser1049fs)

Gene: CRB1 (crumbs cell polarity complex component 1; plus strand). Cytogenetic location: 1q31.3.
Variant type: Deletion.
Coding change: c.3144del on transcript NM_201253.3 (MANE Select); coding-DNA position 3144, one base deleted (C; older notation c.3144delC).
Protein change: p.Ser1049fs; shifts the reading frame from serine 1049.
Molecular consequence: frameshift variant. On other transcripts: non-coding transcript variant (2), intron variant (1).
Genome position (GRCh38, 1-based): chr1:197,435,007, C deleted; the last of 2 consecutive C bases (chr1:197,435,006-197,435,007); deleting either gives the same sequence. VCF-style (leftmost placement, unchanged base first): chr1-197435005-AC-A. GRCh37 (hg19) VCF-style: chr1-197404135-AC-A.
Other names: c.2808del, p.Ser937fs (NM_001193640.2); c.3072del, p.Ser1025fs (NM_001257965.2); c.2129-593del (NM_001257966.2); c.3144del (NM_201253.2); short protein forms S1025fs, S1049fs, S937fs.
Identifiers: ClinVar variation 1190977 (VCV001190977.4), dbSNP rs1275965097, ClinGen allele CA528535387.

ClinVar aggregate classification (germline): Pathogenic. Review status: criteria provided, multiple submitters, no conflicts (2 of 4 stars). 2 submissions from 2 submitters: Pathogenic (2). Last evaluated 2026-01-17.

Conditions:
Leber congenital amaurosis 8 (LCA8). Identifiers: Orphanet 65, MedGen C3151202, MONDO:0013453, OMIM 613835.
Retinitis pigmentosa 12 (RP12). Also called: RP WITH OR WITHOUT PRESERVED PARAARTERIOLE RETINAL PIGMENT EPITHELIUM; RETINITIS PIGMENTOSA WITH OR WITHOUT PARAARTERIOLAR PRESERVATION OF RETINAL PIGMENT EPITHELIUM; RP WITH OR WITHOUT PPRPE. Identifiers: Orphanet 791, MedGen C1838647, MONDO:0010818, OMIM 600105.
Pigmented paravenous retinochoroidal atrophy. Identifiers: Orphanet 251295, MedGen C1868310, MONDO:0008246, OMIM 172870.

Submissions (2):

GeneDx
Classification: Pathogenic. Last evaluated: 2026-01-17. Review status: criteria provided, single submitter. Criteria: GeneDx Variant Classification Process June 2021. Collection method: clinical testing. Allele origin: germline. Affected: yes.
Comment: Frameshift variant predicted to result in protein truncation or nonsense mediated decay in a gene for which loss of function is a known mechanism of disease; Not observed at significant frequency in large population cohorts (gnomAD); This variant is associated with the following publications: (PMID: 31964843, 36819107)

Fulgent Genetics
Classification: Pathogenic for Pigmented paravenous retinochoroidal atrophy; Retinitis pigmentosa 12; Leber congenital amaurosis 8. Last evaluated: 2024-06-01. Review status: criteria provided, single submitter. Criteria: ACMG Guidelines, 2015. Collection method: clinical testing. Allele origin: germline.